The following is an entry in ClinVar:

NM_030912.3(TRIM8):c.422G>C (p.Arg141Pro)

Gene: TRIM8 (tripartite motif containing 8; plus strand). Cytogenetic location: 10q24.32.
Variant type: single nucleotide variant.
Coding change: c.422G>C on transcript NM_030912.3 (MANE Select); coding-DNA position 422, G replaced by C.
Protein change: p.Arg141Pro; replaces arginine 141 with proline.
Molecular consequence: missense variant. On other transcripts: non-coding transcript variant (1).
Genome position (GRCh38, 1-based): chr10:102,645,039, G>C. VCF-style: chr10-102645039-G-C. GRCh37 (hg19) VCF-style: chr10-104404796-G-C.
Other names: c.422G>C, p.Arg141Pro (NM_001345950.1); short protein forms R141P.
Identifiers: ClinVar variation 2766442 (VCV002766442.3), dbSNP rs751165253, ClinGen allele CA5668079.

ClinVar aggregate classification (germline): Uncertain significance (1 of 4 stars; one submission).

Allele frequency attached by ClinVar (database versions not stated): ExAC 0.00001; gnomAD 0.00001; gnomAD exomes 0.00001.

Submission:

Labcorp Genetics (formerly Invitae), Labcorp
Classification: Uncertain significance. Last evaluated: 2023-06-04. Review status: criteria provided, single submitter. Criteria: Invitae Variant Classification Sherloc (09022015). Collection method: clinical testing. Allele origin: germline.
Comment: This sequence change replaces arginine, which is basic and polar, with proline, which is neutral and non-polar, at codon 141 of the TRIM8 protein (p.Arg141Pro). This variant is present in population databases (rs751165253, gnomAD 0.01%). This variant has not been reported in the literature in individuals affected with TRIM8-related conditions. An algorithm developed to predict the effect of missense changes on protein structure and function (PolyPhen-2) suggests that this variant is likely to be disruptive. In summary, the available evidence is currently insufficient to determine the role of this variant in disease. Therefore, it has been classified as a Variant of Uncertain Significance.